The following is an entry in ClinVar:

ClinVar aggregate classification (germline): Pathogenic. Review status: criteria provided, multiple submitters, no conflicts (2 of 4 stars). 4 submissions from 4 submitters: Pathogenic (3). 1 of the submissions does not count toward it. Last evaluated 2026-01-03.

Conditions:
Cone-rod dystrophy 13 (CORD13). Identifiers: Orphanet 1872, MedGen C2750720, MONDO:0011987, OMIM 608194.
Leber congenital amaurosis 6 (LCA6). Identifiers: Orphanet 65, MedGen C1854260, MONDO:0013446, OMIM 613826.
Leber congenital amaurosis (LCA). Also called: Leber's amaurosis. Identifiers: Orphanet 65, MedGen C0339527, MeSH D057130, MONDO:0018998.

Allele frequency attached by ClinVar (database versions not stated): gnomAD exomes below 0.00001 and 0.00001; TOPMed below 0.00001; gnomAD 0.00001; ExAC 0.00002.
gnomAD v4.1: 7 of 1,587,556 alleles (0.00044%); highest among the groups gnomAD compares: Non-Finnish European, 0.0006%; no homozygotes.

Submissions (4):

Labcorp Genetics (formerly Invitae), Labcorp
Classification: Pathogenic for Leber congenital amaurosis 6; Cone-rod dystrophy 13. Last evaluated: 2026-01-03. Review status: criteria provided, single submitter. Criteria: Invitae Variant Classification Sherloc (09022015). Collection method: clinical testing. Allele origin: germline.
Comment: This sequence change affects a donor splice site in intron 17 of the RPGRIP1 gene. It is expected to disrupt RNA splicing. Variants that disrupt the donor or acceptor splice site typically lead to a loss of protein function (PMID: 16199547), and loss-of-function variants in RPGRIP1 are known to be pathogenic (PMID: 11528500, 23105016). This variant is present in population databases (rs748072501, gnomAD 0.002%). Disruption of this splice site has been observed in individuals with Leber congenital amaurosis (PMID: 33670832; internal data). ClinVar contains an entry for this variant (Variation ID: 981634). Algorithms developed to predict the effect of sequence changes on RNA splicing suggest that this variant may disrupt the consensus splice site. For these reasons, this variant has been classified as Pathogenic.

Women's Health and Genetics/Laboratory Corporation of America, LabCorp
Classification: Pathogenic for Leber congenital amaurosis. Last evaluated: 2025-02-13. Review status: criteria provided, single submitter. Criteria: LabCorp Variant Classification Summary - May 2015. Collection method: clinical testing. Allele origin: germline.
Comment: Variant summary: RPGRIP1 c.2895+1G>T is located in a canonical splice-site and is predicted to affect mRNA splicing resulting in a significantly altered protein due to either exon skipping, shortening, or inclusion of intronic material. Variants that disrupt the consensus splice site are a relatively common cause of aberrant splicing and loss of RPGRIP1 function. Several computational tools predict a significant impact on normal splicing: Four predict the variant abolishes a 5' splicing donor site. One predicts the variant abolishes a cryptic 5' donor site. Two predict the variant strengthens a cryptic 3' acceptor site. However, these predictions have yet to be confirmed by functional studies. The variant allele was found at a frequency of 8.8e-06 in 227304 control chromosomes. c.2895+1G>T has been reported in the presumed compound heterozygous state in the literature and internally in multiple individuals affected with Leber Congenital Amaurosis (example, Panneman_2023, Perrault_2021, Peter_2023, Labcorp Genetics (formerly Invitae)). These data indicate that the variant is likely to be associated with disease. To our knowledge, no experimental evidence demonstrating an impact on protein function has been reported. The following publications have been ascertained in the context of this evaluation (PMID: 36819107, 33670832, 36909829). ClinVar contains an entry for this variant (Variation ID: 981634). Based on the evidence outlined above, the variant was classified as pathogenic.

Ophthalmic Genetics Group, Institute of Molecular and Clinical Ophthalmology Basel
Classification: Pathogenic for Leber congenital amaurosis. Last evaluated: 2023-07-24. Review status: criteria provided, single submitter. Criteria: ACMG Guidelines, 2015. Collection method: research. Allele origin: germline. Affected: yes. Observed: 1 variant allele.
Comment: Clinical significance based on ACMG v2.0

This variant was classified as Pathogenic based on ACMG criteria: PVS1, PM2, PP5.

Laboratory of Genetics in Ophthalmology, Institut Imagine
Classification: Pathogenic for Leber congenital amaurosis 6. Review status: no assertion criteria provided. Collection method: research. Allele origin: inherited. Affected: yes. Observed: 3 variant alleles. Not counted in ClinVar's aggregate classification.

Literature cited by the submitters: PubMed 16199547 (cited by Labcorp Genetics (formerly Invitae), Labcorp); PubMed 11528500 (cited by Labcorp Genetics (formerly Invitae), Labcorp); PubMed 23105016 (cited by Labcorp Genetics (formerly Invitae), Labcorp); PubMed 33670832 (cited by Labcorp Genetics (formerly Invitae), Labcorp and Women's Health and Genetics/Laboratory Corporation of America, LabCorp); PubMed 36819107 (cited by Women's Health and Genetics/Laboratory Corporation of America, LabCorp); PubMed 36909829 (cited by Women's Health and Genetics/Laboratory Corporation of America, LabCorp and Ophthalmic Genetics Group, Institute of Molecular and Clinical Ophthalmology Basel).

NM_020366.4(RPGRIP1):c.2895+1G>T

Gene: RPGRIP1 (RPGR interacting protein 1; plus strand). Cytogenetic location: 14q11.2.
Variant type: single nucleotide variant.
Coding change: c.2895+1G>T on transcript NM_020366.4 (MANE Select); the canonical splice donor site of the intron after coding-DNA position 2895, G replaced by T.
Molecular consequence: splice donor variant.
Genome position (GRCh38, 1-based): chr14:21,327,808, G>T. VCF-style: chr14-21327808-G-T. GRCh37 (hg19) VCF-style: chr14-21795967-G-T.
Other names: NP_065099.3:p.?; c.1821+1G>T (NM_001377948.1); c.981+1G>T (NM_001377949.1); c.873+1G>T (NM_001377523.1, NM_001377950.1); c.375+1G>T (NM_001377951.1).
Identifiers: ClinVar variation 981634 (VCV000981634.10), dbSNP rs748072501, ClinGen allele CA7089364.